The following is an entry in ClinVar:

ClinVar aggregate classification (germline): Likely benign. Review status: criteria provided, single submitter (1 of 4 stars). 2 submissions from 2 submitters: Likely benign (1). 1 of the submissions does not count toward it. Last evaluated 2026-06-01.

Conditions:
SARDH-related disorder. Also called: SARDH-related condition.

Allele frequency attached by ClinVar (database versions not stated): 1000 Genomes Project 0.00060; 1000 Genomes Project 30x 0.00062; gnomAD 0.00386; ESP Exome Variant Server 0.00469.
gnomAD v4.1: 9,160 of 1,614,170 alleles (0.57%); highest among the groups gnomAD compares: Non-Finnish European, 0.69%; 33 homozygotes.

Submissions (2):

CeGaT Center for Human Genetics Tuebingen
Classification: Likely benign. Last evaluated: 2026-06-01. Review status: criteria provided, single submitter. Criteria: CeGaT Center For Human Genetics Tuebingen Variant Classification Criteria Version 2. Collection method: clinical testing. Allele origin: germline. Affected: yes. Observed: 2 variant alleles.
Comment: SARDH: BP4, BS2

PreventionGenetics, part of Exact Sciences
Classification: Likely benign for SARDH-related condition. Last evaluated: 2020-01-13. Review status: no assertion criteria provided. Collection method: clinical testing. Allele origin: germline. Not counted in ClinVar's aggregate classification.
Comment: This variant is classified as likely benign based on ACMG/AMP sequence variant interpretation guidelines (Richards et al. 2015 PMID: 25741868, with internal and published modifications).

NM_001134707.2(SARDH):c.566C>T (p.Thr189Ile)

Gene: SARDH (sarcosine dehydrogenase; minus strand). Cytogenetic location: 9q34.2.
Variant type: single nucleotide variant.
Coding change: c.566C>T on transcript NM_001134707.2 (MANE Select); coding-DNA position 566, C replaced by T.
Protein change: p.Thr189Ile; replaces threonine 189 with isoleucine.
Molecular consequence: missense variant.
Genome position (GRCh38, 1-based): chr9:133,731,429, G>A on the plus strand (C>T on the coding strand, the complement: SARDH is on the minus strand). VCF-style: chr9-133731429-G-A. GRCh37 (hg19) VCF-style: chr9-136596551-G-A.
Other names: c.566C>T, p.Thr189Ile (NM_007101.4); c.566C>T (NM_007101.3); short protein forms T189I.
Identifiers: ClinVar variation 2659699 (VCV002659699.25), dbSNP rs149810392, ClinGen allele CA5314749.
Genomic context (GRCh38, chr9:133,731,429, plus strand): 5'-CCGTCGTGCGGCACATACAGGGTCCCGTAGAGGTCGTCCACATTCATCAGCGGGTACAGA[G>A]TCTTGGTCTCTGCCGGGCTCAGCACATGGGATTCCACACCATACGCCTTGCCCAGCTAGG-3'
Protein context (NP_001128179.1, residues 179-199): SHVLSPAETK[Thr189Ile]LYPLMNVDDL